The following is an entry in ClinVar:

NM_001366244.2(GOLGA2):c.1120del (p.Leu374fs)

Gene: GOLGA2 (golgin A2; minus strand). Cytogenetic location: 9q34.11.
Variant type: Deletion.
Coding change: c.1120del on transcript NM_001366244.2 (MANE Select); coding-DNA position 1120, one base deleted (C; older notation c.1120delC).
Protein change: p.Leu374fs; shifts the reading frame from leucine 374.
Molecular consequence: frameshift variant.
Genome position (GRCh38, 1-based): chr9:128,262,577, G deleted on the plus strand (C on the coding strand, the reverse complement: GOLGA2 is on the minus strand). VCF-style (leftmost placement, unchanged base first): chr9-128262576-AG-A. GRCh37 (hg19) VCF-style: chr9-131024855-AG-A.
Other names: c.958del, p.Leu320fs (NM_001389701.2); c.934del, p.Leu312fs (NM_001389702.2); c.919del, p.Leu307fs (NM_001389703.2); c.685del, p.Leu229fs (NM_001389704.2); c.646del, p.Leu216fs (NM_001389705.2); c.1039del, p.Leu347fs (NM_004486.6, NM_001366246.2, NM_001389698.2); c.1105del, p.Leu369fs (NM_001389695.2); c.1120del, p.Leu374fs (NM_001389696.2); and 2 more; short protein forms L216fs, L229fs, L307fs, L312fs, L320fs, L334fs, L343fs, L347fs.
Identifiers: ClinVar variation 4292225 (VCV004292225.1).

ClinVar aggregate classification (germline): Pathogenic (1 of 4 stars; one submission).

Conditions:
Developmental delay with hypotonia, myopathy, and brain abnormalities (DEDHMB). Identifiers: MedGen C5830270, MONDO:0859375, OMIM 620240.

Submission:

3billion
Classification: Pathogenic for Developmental delay with hypotonia, myopathy, and brain abnormalities. Last evaluated: 2024-09-04. Review status: criteria provided, single submitter. Criteria: ACMG Guidelines, 2015. Collection method: clinical testing. Allele origin: germline. Affected: yes.
Comment: The variant is not observed in the gnomAD v4.0.0 dataset. Predicted Consequence/Location: Frameshift: predicted to result in a loss or disruption of normal protein function through nonsense-mediated decay (NMD) or protein truncation. Multiple pathogenic variants are reported downstream of the variant. Therefore, this variant is classified as Pathogenic according to the recommendation of ACMG/AMP guideline.